The following is an entry in ClinVar:

NM_000088.4(COL1A1):c.2128-15T>C

Gene: COL1A1 (collagen type I alpha 1 chain; minus strand). Cytogenetic location: 17q21.33.
Variant type: single nucleotide variant.
Coding change: c.2128-15T>C on transcript NM_000088.4 (MANE Select); 15 bases into the intron before coding-DNA position 2128, T replaced by C.
Molecular consequence: intron variant.
Genome position (GRCh38, 1-based): chr17:50,191,505, A>G on the plus strand (T>C on the coding strand, the complement: COL1A1 is on the minus strand). VCF-style: chr17-50191505-A-G. GRCh37 (hg19) VCF-style: chr17-48268866-A-G.
Identifiers: ClinVar variation 2172569 (VCV002172569.4), dbSNP rs1490738044, ClinGen allele CA626485844.
Genomic context (GRCh38, chr17:50,191,505, plus strand): 5'-CAGGGGCGCCCTGGCTACCGGGAGCTCCAGGGGCACCAGCATCACCCTATGTGACAACCA[A>G]GAAGACTGGAGTGAGGCCTGGGGCCCCAAGAGTGGGTCACAGCCCTAAGCCCCGCTTGGT-3'

ClinVar aggregate classification (germline): Uncertain significance (1 of 4 stars; one submission).

Conditions:
Osteogenesis imperfecta type I (OI1). Also called: OI, TYPE I; OSTEOGENESIS IMPERFECTA TARDA; OSTEOGENESIS IMPERFECTA WITH BLUE SCLERAE; Osteogenesis imperfecta type 1; Lobstein's Disease; Lobstein disease. Identifiers: Orphanet 216796, Orphanet 666, MedGen C0023931, MONDO:0008146, OMIM 166200. Disease mechanism: loss of function.

Allele frequency attached by ClinVar (database versions not stated): TOPMed below 0.00001; gnomAD exomes 0.00001.
gnomAD v4.1: 11 of 1,611,876 alleles (0.00068%); highest among the groups gnomAD compares: Non-Finnish European, 0.00093%; no homozygotes.

Submission:

Labcorp Genetics (formerly Invitae), Labcorp
Classification: Uncertain significance for Osteogenesis imperfecta type I. Last evaluated: 2022-06-18. Review status: criteria provided, single submitter. Criteria: Invitae Variant Classification Sherloc (09022015). Collection method: clinical testing. Allele origin: germline.
Comment: This sequence change falls in intron 31 of the COL1A1 gene. It does not directly change the encoded amino acid sequence of the COL1A1 protein. This variant is present in population databases (no rsID available, gnomAD 0.0009%). This variant has not been reported in the literature in individuals affected with COL1A1-related conditions. Algorithms developed to predict the effect of sequence changes on RNA splicing suggest that this variant may create or strengthen a splice site. In summary, the available evidence is currently insufficient to determine the role of this variant in disease. Therefore, it has been classified as a Variant of Uncertain Significance.